The following is an entry in ClinVar:

NM_000257.4(MYH7):c.3554_3555insTGCTTCTTG (p.His1185_Glu1186insAlaSerCys)

Gene: MYH7 (myosin heavy chain 7; minus strand). Cytogenetic location: 14q11.2.
Variant type: Insertion.
Coding change: c.3554_3555insTGCTTCTTG on transcript NM_000257.4 (MANE Select); coding-DNA positions 3554 to 3555, TGCTTCTTG inserted.
Protein change: p.His1185_Glu1186insAlaSerCys.
Molecular consequence: inframe insertion.
Genome position: GRCh38 VCF-style: chr14-23420016-G-GCAAGAAGCA. GRCh37 (hg19) VCF-style: chr14-23889225-G-GCAAGAAGCA.
Other names: c.3554_3555insTGCTTCTTG, p.His1185_Glu1186insAlaSerCys (NM_001407004.1).
Identifiers: ClinVar variation 2773916 (VCV002773916.2), dbSNP rs2502264425, ClinGen allele CA2697553865.
Genomic context (GRCh38, chr14:23,420,016, plus strand): 5'-CTCGCCCAGCTCGGCCACGCTGTCGGCGTGCTTCTTGCGCAGGGCCGCGGCAGTGGCCTC[G>GCAAGAAGCA]TGCTGCAGCGTGGCCTCCTCCAGGTCCCGCCGCATCTTCTGGAACTCGGCCTCGCGCTTC-3'

ClinVar aggregate classification (germline): Uncertain significance (1 of 4 stars; one submission).

Conditions:
Cardiomyopathy (CMYO). Also called: Cardiomyopathies. Identifiers: Orphanet 167848, MedGen C0878544, MONDO:0004994, HP:0001638. Inheritance: Various modes of inheritance.

Submission:

Color Diagnostics, LLC DBA Color Health
Classification: Uncertain significance for Cardiomyopathy. Last evaluated: 2023-03-28. Review status: criteria provided, single submitter. Criteria: ACMG Guidelines, 2015. Collection method: clinical testing. Allele origin: germline.
Comment: This variant results in the insertion of three novel amino acids between codon 1185 and codon 1186 in the MYH7 protein. To our knowledge, functional studies have not been reported for this variant. This variant has not been reported in individuals affected with MYH7-related disorders in the literature. This variant has not been identified in the general population by the Genome Aggregation Database (gnomAD). The available evidence is insufficient to determine the role of this variant in disease conclusively. Therefore, this variant is classified as a Variant of Uncertain Significance.